The following is an entry in ClinVar:

NM_001029896.2(WDR45):c.1004_1005del (p.Tyr335fs)

Gene: WDR45 (WD repeat domain 45; minus strand). Cytogenetic location: Xp11.23.
Variant type: Microsatellite.
Coding change: c.1004_1005del on transcript NM_001029896.2 (MANE Select); coding-DNA positions 1004 to 1005, 2 bases deleted (AT; older notation c.1004_1005delAT).
Protein change: p.Tyr335fs; shifts the reading frame from tyrosine 335.
Molecular consequence: frameshift variant.
Genome position (GRCh38, 1-based): chrX:49,074,881-49,074,882, AT deleted on the plus strand (AT on the coding strand, the reverse complement: WDR45 is on the minus strand); deleting any 2 consecutive bases within chrX:49,074,881-49,074,884 gives the same sequence; the c. name uses the placement nearest the transcript's 3' end. VCF-style (leftmost placement, unchanged base first): chrX-49074880-CAT-C. GRCh37 (hg19) VCF-style: chrX-48932539-CAT-C.
Other names: c.1007_1008delAT (NM_007075.3); c.1007_1008del, p.Tyr336fs (NM_007075.4); short protein forms Y335fs, Y336fs.
Identifiers: ClinVar variation 41911 (VCV000041911.21), dbSNP rs387907328, ClinGen allele CA214835.

ClinVar aggregate classification (germline): Pathogenic. Review status: criteria provided, multiple submitters, no conflicts (2 of 4 stars). 9 submissions from 9 submitters: Pathogenic (8). 1 of the submissions does not count toward it. Last evaluated 2023-11-02.

Conditions:
Neurodegeneration with brain iron accumulation 5 (NBIA5). Also called: Beta-propeller protein-associated neurodegeneration; STATIC ENCEPHALOPATHY OF CHILDHOOD WITH NEURODEGENERATION IN ADULTHOOD. Identifiers: Orphanet 329284, MedGen C3550973, MONDO:0010476, OMIM 300894.

Submissions (9):

Illumina Laboratory Services, Illumina
Classification: Pathogenic for Neurodegeneration with brain iron accumulation 5. Last evaluated: 2023-11-02. Review status: criteria provided, single submitter. Criteria: ICSLVariantClassificationCriteria RUGD 01 April 2020. Collection method: clinical testing. Allele origin: unknown.
Comment: The WDR45 c.1007_1008del p.(Tyr336CysfsTer5) variant causes a shift in the protein reading frame. This variant occurs in the last exon of the gene and may escape nonsense-mediated mRNA decay. This variant has been reported in both male and female individuals affected with neurodegeneration with brain iron accumulation with symptoms of developmental delay and epileptic encephalopathy, all in a de novo state (PMID: 23176820; 27681470; 29171013; 29445477). This variant is not observed in version 2.1.1 or version 3.1.2 of the Genome Aggregation Database. Based on the available evidence, the c.1007_1008del p.(Tyr336CysfsTer5) variant is classified as pathogenic for neurodegeneration with brain iron accumulation.

3billion
Classification: Pathogenic for Neurodegeneration with brain iron accumulation 5. Last evaluated: 2023-10-27. Review status: criteria provided, single submitter. Criteria: ACMG Guidelines, 2015. Collection method: clinical testing. Allele origin: germline. Affected: yes.
Comment: The variant is not observed in the gnomAD v2.1.1 dataset. Predicted Consequence/Location: Frameshift: predicted to result in a loss or disruption of normal protein function through protein truncation. The predicted truncated protein may be shortened by less than 10%. The variant has been observed in at least two similarly affected unrelated individuals (PMID: 23176820). The variant has been previously reported as assumed (i.e. paternity and maternity not confirmed) de novo in at least one similarly affected unrelated individual (PMID: 23176820). The variant has been reported at least twice as pathogenic with clinical assertions and evidence for the classification (ClinVar ID: VCV000041911 /PMID: 23176820 /3billion dataset). Therefore, this variant is classified as Pathogenic according to the recommendation of ACMG/AMP guideline.

GeneDx
Classification: Pathogenic. Last evaluated: 2023-06-04. Review status: criteria provided, single submitter. Criteria: GeneDx Variant Classification Process June 2021. Collection method: clinical testing. Allele origin: germline. Affected: yes.
Comment: Frameshift variant predicted to result in protein truncation, as the last 26 amino acids are replaced with 4 different amino acids, and other loss-of-function variants have been reported downstream in the Human Gene Mutation Database (HGMD); Not observed at significant frequency in large population cohorts (gnomAD); This variant is associated with the following publications: (PMID: 29171013, 29445477, 31069529, 23176820, 27681470)

Labcorp Genetics (formerly Invitae), Labcorp
Classification: Pathogenic for Neurodegeneration with brain iron accumulation 5. Last evaluated: 2021-08-13. Review status: criteria provided, single submitter. Criteria: Invitae Variant Classification Sherloc (09022015). Collection method: clinical testing. Allele origin: germline.

Laboratorio de Genetica e Diagnostico Molecular, Hospital Israelita Albert Einstein
Classification: Pathogenic. Last evaluated: 2021-06-24. Review status: criteria provided, single submitter. Criteria: ACMG Guidelines, 2015. Collection method: clinical testing. Allele origin: germline. Affected: yes.
Comment: ACMG classification criteria: PVS1, PS4, PM2, PM6

Institute of Human Genetics, University of Leipzig Medical Center
Classification: Pathogenic for Neurodegeneration with brain iron accumulation 5. Last evaluated: 2019-06-26. Review status: criteria provided, single submitter. Criteria: ACMG Guidelines, 2015. Collection method: clinical testing. Allele origin: germline. Affected: yes. Observed: 1 variant allele.

Genomic Research Center, Shahid Beheshti University of Medical Sciences
Classification: Pathogenic for Neurodegeneration with brain iron accumulation 5. Last evaluated: 2018-08-07. Review status: criteria provided, single submitter. Criteria: ACMG Guidelines, 2015. Collection method: clinical testing. Allele origin: inherited. Affected: yes. Observed: 1 variant allele.

Juno Genomics, Hangzhou Juno Genomics, Inc
Classification: Pathogenic for Neurodegeneration with brain iron accumulation 5. Review status: criteria provided, single submitter. Criteria: ACMG Guidelines, 2015. Collection method: clinical testing. Allele origin: germline. Affected: yes.
Comment: Absent from controls (or at extremely low frequency if recessive) in Genome Aggregation Database, Exome Sequencing Project, 1000 Genomes Project, or Exome Aggregation Consortium.;Null variant in a gene where loss of function (LOF) is a known mechanism of disease.;The prevalence of the variant in affected individuals is significantly increased compared to the prevalence in controls.;Assumed de novo, but without confirmation of paternity and maternity.

OMIM
Classification: Pathogenic for NEURODEGENERATION WITH BRAIN IRON ACCUMULATION 5. Last evaluated: 2012-12-07. Review status: no assertion criteria provided. Collection method: literature only. Allele origin: germline. Not counted in ClinVar's aggregate classification.

Literature cited by the submitters: PubMed 23176820 (cited by 3 submitters); PubMed 27681470 (cited by Illumina Laboratory Services, Illumina); PubMed 29171013 (cited by Illumina Laboratory Services, Illumina); PubMed 29445477 (cited by Illumina Laboratory Services, Illumina).